The following is an entry in ClinVar:

NM_000782.5(CYP24A1):c.1187G>A (p.Arg396Gln)

Gene: CYP24A1 (cytochrome P450 family 24 subfamily A member 1; minus strand). Cytogenetic location: 20q13.2.
Variant type: single nucleotide variant.
Coding change: c.1187G>A on transcript NM_000782.5 (MANE Select); coding-DNA position 1187, G replaced by A.
Protein change: p.Arg396Gln; replaces arginine 396 with glutamine.
Molecular consequence: missense variant.
Genome position (GRCh38, 1-based): chr20:54,158,135, C>T on the plus strand (G>A on the coding strand, the complement: CYP24A1 is on the minus strand). VCF-style: chr20-54158135-C-T. GRCh37 (hg19) VCF-style: chr20-52774674-C-T.
Other names: c.1187G>A, p.Arg396Gln (NM_001128915.2); short protein forms R396Q.
Identifiers: ClinVar variation 953906 (VCV000953906.39), dbSNP rs143934667, ClinGen allele CA9915865.

ClinVar aggregate classification (germline): Pathogenic/Likely pathogenic. Review status: criteria provided, multiple submitters, no conflicts (2 of 4 stars). 6 submissions from 6 submitters: Pathogenic (1); Likely pathogenic (4). 1 of the submissions does not count toward it. Last evaluated 2025-12-26.

Conditions:
Hypercalcemia, infantile, 1 (HCINF1). Identifiers: Orphanet 300547, MedGen CN031131, MONDO:0020739, OMIM 143880.

Allele frequency attached by ClinVar (database versions not stated): ExAC 0.00005; gnomAD 0.00006 and 0.00007; gnomAD exomes 0.00007; TOPMed 0.00008; ESP Exome Variant Server 0.00015.
gnomAD v4.1: 82 of 1,613,772 alleles (0.0051%); highest among the groups gnomAD compares: Non-Finnish European, 0.0064%; no homozygotes.

Submissions (6):

Dasa
Classification: Likely pathogenic. Last evaluated: 2025-12-26. Review status: criteria provided, single submitter. Criteria: DASA Assertion Criteria. Collection method: clinical testing. Allele origin: germline.
Comment: NM_000782.5(CYP24A1):c.1187G>A (p.Arg396Gln) is a missense variant that results in the substitution of arginine with glutamine. The affected residue or protein region has prior evidence supporting clinical relevance. This variant has been recurrently observed in individuals with CYP24A1-related disorders (PMID: 25446019; PMID: 26214117). Also, this variant is rare in population databases. Computational evidence supports a deleterious effect. Based on the currently available evidence, this variant is classified as likely pathogenic.

Labcorp Genetics (formerly Invitae), Labcorp
Classification: Pathogenic. Last evaluated: 2025-05-10. Review status: criteria provided, single submitter. Criteria: Invitae Variant Classification Sherloc (09022015). Collection method: clinical testing. Allele origin: germline.
Comment: This sequence change replaces arginine, which is basic and polar, with glutamine, which is neutral and polar, at codon 396 of the CYP24A1 protein (p.Arg396Gln). This variant is present in population databases (rs143934667, gnomAD 0.01%). This missense change has been observed in individuals with hypercalcemia (PMID: 25446019, 26214117). It has also been observed to segregate with disease in related individuals. ClinVar contains an entry for this variant (Variation ID: 953906). Invitae Evidence Modeling of protein sequence and biophysical properties (such as structural, functional, and spatial information, amino acid conservation, physicochemical variation, residue mobility, and thermodynamic stability) has been performed for this missense variant. However, the output from this modeling did not meet the statistical confidence thresholds required to predict the impact of this variant on CYP24A1 protein function. This variant disrupts the p.Arg396 amino acid residue in CYP24A1. Other variant(s) that disrupt this residue have been determined to be pathogenic (PMID: 21675912, 23001465, 23485543, 25446019, 27394135, 27798933, 28470390). This suggests that this residue is clinically significant, and that variants that disrupt this residue are likely to be disease-causing. For these reasons, this variant has been classified as Pathogenic.

Fulgent Genetics
Classification: Likely pathogenic for Hypercalcemia, infantile, 1. Last evaluated: 2024-03-12. Review status: criteria provided, single submitter. Criteria: ACMG Guidelines, 2015. Collection method: clinical testing. Allele origin: germline.

CeGaT Center for Human Genetics Tuebingen
Classification: Likely pathogenic. Last evaluated: 2024-01-01. Review status: criteria provided, single submitter. Criteria: CeGaT Center For Human Genetics Tuebingen Variant Classification Criteria Version 2. Collection method: clinical testing. Allele origin: germline. Affected: yes. Observed: 1 variant allele.
Comment: CYP24A1: PM2, PM3, PM5

Institute of Human Genetics Munich, TUM University Hospital
Classification: Likely pathogenic for Hypercalcemia, infantile, 1. Last evaluated: 2022-09-21. Review status: criteria provided, single submitter. Criteria: Classification criteria August 2017. Collection method: clinical testing. Allele origin: germline. Inheritance: Autosomal recessive inheritance. Affected: yes. Observed: 1 variant allele.

Bioscientia Institut fuer Medizinische Diagnostik GmbH, Sonic Healthcare
Classification: Likely pathogenic for Hypercalcemia, infantile, 1. Last evaluated: 2020-01-15. Review status: no assertion criteria provided. Collection method: clinical testing. Allele origin: germline. Affected: yes. Not counted in ClinVar's aggregate classification.

Literature cited by the submitters: PubMed 21675912 (cited by Dasa and Labcorp Genetics (formerly Invitae), Labcorp); PubMed 23001465 (cited by Dasa and Labcorp Genetics (formerly Invitae), Labcorp); PubMed 23485543 (cited by Dasa and Labcorp Genetics (formerly Invitae), Labcorp); PubMed 25446019 (cited by Dasa and Labcorp Genetics (formerly Invitae), Labcorp); PubMed 27394135 (cited by Dasa and Labcorp Genetics (formerly Invitae), Labcorp); PubMed 27798933 (cited by Dasa and Labcorp Genetics (formerly Invitae), Labcorp); PubMed 28470390 (cited by Dasa and Labcorp Genetics (formerly Invitae), Labcorp); PubMed 26214117 (cited by Dasa and Labcorp Genetics (formerly Invitae), Labcorp).